The following is an entry in ClinVar:

NM_006245.4(PPP2R5D):c.1768C>T (p.Arg590Trp)

Genes: MEA1 (male-enhanced antigen 1; minus strand), PPP2R5D (protein phosphatase 2 regulatory subunit B'delta; plus strand). Cytogenetic location: 6p21.1.
Variant type: single nucleotide variant.
Coding change: c.1768C>T on transcript NM_006245.4 (MANE Select); coding-DNA position 1768, C replaced by T.
Protein change: p.Arg590Trp; replaces arginine 590 with tryptophan.
Molecular consequence: missense variant. On other transcripts: 3 prime UTR variant (1).
Genome position (GRCh38, 1-based): chr6:43,011,245, C>T. VCF-style: chr6-43011245-C-T. GRCh37 (hg19) VCF-style: chr6-42978983-C-T.
Other names: c.*1225G>A (NM_014623.4); c.1315C>T, p.Arg439Trp (NM_001270476.2); c.1672C>T, p.Arg558Trp (NM_180976.3); c.1450C>T, p.Arg484Trp (NM_180977.3); short protein forms R439W, R558W, R484W, R590W.
Identifiers: ClinVar variation 1810447 (VCV001810447.4), dbSNP rs747480052, ClinGen allele CA3812167.
Genomic context (GRCh38, chr6:43,011,245, plus strand): 5'-CGGAGGAAGTCGGAGCTGCCCCAGGACGTGTACACCATCAAGGCACTGGAGGCGCACAAG[C>T]GGGCGGAAGAGTTCCTAACTGCCAGCCAGGAGGCTCTCTGACCCCTCACGTTCCTACCAC-3'
Protein context (NP_006236.1, residues 580-600): YTIKALEAHK[Arg590Trp]AEEFLTASQE

ClinVar aggregate classification (germline): Uncertain significance. Review status: criteria provided, multiple submitters, no conflicts (2 of 4 stars). 2 submissions from 2 submitters: Uncertain significance (2). Last evaluated 2023-07-07.

Allele frequency attached by ClinVar (database versions not stated): gnomAD exomes below 0.00001; ExAC 0.00001.
gnomAD v4.1: 7 of 1,614,052 alleles (0.00043%); highest among the groups gnomAD compares: South Asian, 0.0022%; no homozygotes.

Submissions (2):

Labcorp Genetics (formerly Invitae), Labcorp
Classification: Uncertain significance. Last evaluated: 2023-07-07. Review status: criteria provided, single submitter. Criteria: Invitae Variant Classification Sherloc (09022015). Collection method: clinical testing. Allele origin: germline.
Comment: In summary, the available evidence is currently insufficient to determine the role of this variant in disease. Therefore, it has been classified as a Variant of Uncertain Significance. An algorithm developed to predict the effect of missense changes on protein structure and function (PolyPhen-2) suggests that this variant is likely to be disruptive. ClinVar contains an entry for this variant (Variation ID: 1810447). This variant has not been reported in the literature in individuals affected with PPP2R5D-related conditions. This variant is present in population databases (rs747480052, gnomAD 0.003%). This sequence change replaces arginine, which is basic and polar, with tryptophan, which is neutral and slightly polar, at codon 590 of the PPP2R5D protein (p.Arg590Trp).

GeneDx
Classification: Uncertain significance. Last evaluated: 2022-07-08. Review status: criteria provided, single submitter. Criteria: GeneDx Variant Classification Process June 2021. Collection method: clinical testing. Allele origin: germline. Affected: yes.
Comment: In silico analysis supports that this missense variant has a deleterious effect on protein structure/function; Has not been previously published as pathogenic or benign to our knowledge